The following is an entry in ClinVar:

NM_172107.4(KCNQ2):c.1633G>A (p.Val545Ile)

Gene: KCNQ2 (potassium voltage-gated channel subfamily Q member 2; minus strand). Cytogenetic location: 20q13.33.
Variant type: single nucleotide variant.
Coding change: c.1633G>A on transcript NM_172107.4 (MANE Select); coding-DNA position 1633, G replaced by A.
Protein change: p.Val545Ile; replaces valine 545 with isoleucine.
Molecular consequence: missense variant.
Genome position (GRCh38, 1-based): chr20:63,413,580, C>T on the plus strand (G>A on the coding strand, the complement: KCNQ2 is on the minus strand). VCF-style: chr20-63413580-C-T. GRCh37 (hg19) VCF-style: chr20-62044933-C-T.
Other names: p.V545I:GTC>ATC; c.1579G>A, p.Val527Ile (NM_001382235.1, NM_172106.3); c.1576G>A, p.Val526Ile (NM_001439003.1); c.1546G>A, p.Val516Ile (NM_001439004.1); c.1549G>A, p.Val517Ile (NM_004518.6); c.1540G>A, p.Val514Ile (NM_172108.5); short protein forms V545I, V517I, V514I, V527I, V516I, V526I.
Identifiers: ClinVar variation 205911 (VCV000205911.13), dbSNP rs757608181, ClinGen allele CA315459.
Genomic context (GRCh38, chr20:63,413,580, plus strand): 5'-TCACGTCGTAGGGCCGCAGGCTCTCCTTGAACTTCCGCTTGGACACCAGGAACCGCATGA[C>T]ACTGCAGGGGGGTGGGTGGGGCTGTGAGCCCTGGGCCAGAGACCCCCGGCCACAGGCACC-3'
Protein context (NP_742105.1, residues 535-555): GLKVSIRAVC[Val545Ile]MRFLVSKRKF

ClinVar aggregate classification (germline): Uncertain significance. Review status: criteria provided, multiple submitters, no conflicts (2 of 4 stars). 3 submissions from 3 submitters: Uncertain significance (3). Last evaluated 2024-06-26.

Conditions:
Early-infantile DEE. Also called: Early infantile epileptic encephalopathy; Ohtahara syndrome; Early infantile epileptic encephalopathy with suppression bursts. Identifiers: Orphanet 1934, MedGen C0393706, MONDO:0800491.
Inborn genetic diseases. Identifiers: MedGen C0950123, MeSH D030342.

Allele frequency attached by ClinVar (database versions not stated): gnomAD 0.00001; gnomAD exomes below 0.00001; ExAC 0.00001.
gnomAD v4.1: 2 of 1,611,378 alleles (0.00012%); highest among the groups gnomAD compares: Non-Finnish European, 0.00017%; no homozygotes.

Submissions (3):

Ambry Genetics
Classification: Uncertain significance for Inborn genetic diseases. Last evaluated: 2024-06-26. Review status: criteria provided, single submitter. Criteria: Ambry Variant Classification Scheme 2023. Collection method: clinical testing. Allele origin: germline.

Labcorp Genetics (formerly Invitae), Labcorp
Classification: Uncertain significance for Early-infantile DEE. Last evaluated: 2019-08-25. Review status: criteria provided, single submitter. Criteria: Invitae Variant Classification Sherloc (09022015). Collection method: clinical testing. Allele origin: germline.
Comment: In summary, the available evidence is currently insufficient to determine the role of this variant in disease. Therefore, it has been classified as a Variant of Uncertain Significance. Algorithms developed to predict the effect of missense changes on protein structure and function (SIFT, PolyPhen-2, Align-GVGD) all suggest that this variant is likely to be tolerated, but these predictions have not been confirmed by published functional studies and their clinical significance is uncertain. This variant has not been reported in the literature in individuals with KCNQ2-related conditions. ClinVar contains an entry for this variant (Variation ID: 205911). This variant is present in population databases (rs757608181, ExAC 0.002%). This sequence change replaces valine with isoleucine at codon 545 of the KCNQ2 protein (p.Val545Ile). The valine residue is moderately conserved and there is a small physicochemical difference between valine and isoleucine.

GeneDx
Classification: Uncertain significance. Last evaluated: 2018-02-19. Review status: criteria provided, single submitter. Criteria: GeneDx Variant Classification (06012015). Collection method: clinical testing. Allele origin: germline. Affected: yes.
Comment: A variant of uncertain significance has been identified in the KCNQ2 gene. The V545I variant has not been published as a pathogenic variant, nor has it been reported as a benign variant to our knowledge. The V545I variant is not observed at a significant frequency in large population cohorts (Lek et al., 2016). Missense variants in nearby residues have been reported in the Human Gene Mutation Database and have been observed at GeneDx in individuals with KCNQ2-related disorders (Stenson et al., 2014). However, the V545I variant is a conservative amino acid substitution, which is not likely to impact secondary protein structure as these residues share similar properties. Additionally, in-silico analyses, including protein predictors and evolutionary conservation, support that this variant does not alter protein structure/function. Therefore, based on the currently available information, it is unclear whether this variant is a pathogenic variant or a rare benign variant.